The following is an entry in ClinVar:

ClinVar aggregate classification (germline): Uncertain significance (1 of 4 stars; one submission).

Submission:

Labcorp Genetics (formerly Invitae), Labcorp
Classification: Uncertain significance. Last evaluated: 2024-05-22. Review status: criteria provided, single submitter. Criteria: Invitae Variant Classification Sherloc (09022015). Collection method: clinical testing. Allele origin: germline.
Comment: This sequence change replaces glutamic acid, which is acidic and polar, with glycine, which is neutral and non-polar, at codon 299 of the ATP2B1 protein (p.Glu299Gly). This variant is not present in population databases (gnomAD no frequency). This variant has not been reported in the literature in individuals affected with ATP2B1-related conditions. Advanced modeling of protein sequence and biophysical properties (such as structural, functional, and spatial information, amino acid conservation, physicochemical variation, residue mobility, and thermodynamic stability) performed at Invitae indicates that this missense variant is not expected to disrupt ATP2B1 protein function with a negative predictive value of 80%. In summary, the available evidence is currently insufficient to determine the role of this variant in disease. Therefore, it has been classified as a Variant of Uncertain Significance.

NM_001366521.1(ATP2B1):c.896A>G (p.Glu299Gly)

Gene: ATP2B1 (ATPase plasma membrane Ca2+ transporting 1; minus strand). Cytogenetic location: 12q21.33.
Variant type: single nucleotide variant.
Coding change: c.896A>G on transcript NM_001366521.1 (MANE Select); coding-DNA position 896, A replaced by G.
Protein change: p.Glu299Gly; replaces glutamic acid 299 with glycine.
Molecular consequence: missense variant. On other transcripts: non-coding transcript variant (3), intron variant (8).
Genome position (GRCh38, 1-based): chr12:89,630,537, T>C on the plus strand (A>G on the coding strand, the complement: ATP2B1 is on the minus strand). VCF-style: chr12-89630537-T-C. GRCh37 (hg19) VCF-style: chr12-90024314-T-C.
Other names: c.896A>G, p.Glu299Gly (NM_001682.3, NM_001413046.1, NM_001413047.1 and 14 more transcripts); c.407-3922A>G (NM_001413060.1, NM_001366531.1, NM_001413058.1 and 2 more transcripts); c.788-2821A>G (NM_001413051.1, NM_001413055.1, NM_001413052.1); c.698A>G, p.Glu233Gly (NM_001366530.1, NM_001413053.1); c.641A>G, p.Glu214Gly (NM_001413056.1); c.443A>G, p.Glu148Gly (NM_001413057.1); short protein forms E214G, E148G, E299G, E233G.
Identifiers: ClinVar variation 3654329 (VCV003654329.2).